The following is an entry in ClinVar:

ClinVar aggregate classification (germline): Uncertain significance (1 of 4 stars; one submission).

Submission:

GeneDx
Classification: Uncertain significance. Last evaluated: 2025-02-24. Review status: criteria provided, single submitter. Criteria: GeneDx Variant Classification Process June 2021. Collection method: clinical testing. Allele origin: germline.
Comment: Not observed at significant frequency in large population cohorts (gnomAD); In silico analysis indicates that this missense variant does not alter protein structure/function; Has not been previously published as pathogenic or benign to our knowledge

NM_001042750.2(STAG2):c.721A>G (p.Met241Val)

Gene: STAG2 (STAG2 cohesin complex component; plus strand). Cytogenetic location: Xq25.
Variant type: single nucleotide variant.
Coding change: c.721A>G on transcript NM_001042750.2 (MANE Select); coding-DNA position 721, A replaced by G.
Protein change: p.Met241Val; replaces methionine 241 with valine.
Molecular consequence: missense variant.
Genome position (GRCh38, 1-based): chrX:124,047,407, A>G. VCF-style: chrX-124047407-A-G. GRCh37 (hg19) VCF-style: chrX-123181257-A-G.
Other names: c.721A>G, p.Met241Val (NM_001042749.2, NM_001042751.2, NM_001282418.2 and 13 more transcripts); short protein forms M241V.
Identifiers: ClinVar variation 3360581 (VCV003360581.2).